The following is an entry in ClinVar:

ClinVar aggregate classification (germline): Likely benign. Review status: criteria provided, multiple submitters, no conflicts (2 of 4 stars). 2 submissions from 2 submitters: Likely benign (2). Last evaluated 2026-01-01.

Submissions (2):

CeGaT Center for Human Genetics Tuebingen
Classification: Likely benign. Last evaluated: 2026-01-01. Review status: criteria provided, single submitter. Criteria: CeGaT Center For Human Genetics Tuebingen Variant Classification Criteria Version 2. Collection method: clinical testing. Allele origin: germline. Affected: yes. Observed: 1 variant allele.
Comment: RP1L1: BP4, BP7

Blueprint Genetics
Classification: Likely benign. Last evaluated: 2022-09-19. Review status: criteria provided, single submitter. Criteria: ACMG Guidelines, 2015. Collection method: clinical testing. Allele origin: germline.

NM_178857.6(RP1L1):c.3954G>A (p.Glu1318=)

Gene: RP1L1 (RP1 like 1). Cytogenetic location: 8p23.1.
Variant type: single nucleotide variant.
Coding change: c.3954G>A on transcript NM_178857.6 (MANE Select); coding-DNA position 3954, G replaced by A.
Protein change: p.Glu1318=; no amino-acid change (glutamic acid 1318 retained).
Molecular consequence: synonymous variant.
Genome position (GRCh38, 1-based): chr8:10,610,144, C>T on the plus strand (G>A on the coding strand, the complement: RP1L1 is on the minus strand). VCF-style: chr8-10610144-C-T. GRCh37 (hg19) VCF-style: chr8-10467654-C-T.
Identifiers: ClinVar variation 4821157 (VCV004821157.5).
Genomic context (GRCh38, chr8:10,610,144, plus strand): 5'-TAACTGCACCCCCTCTTCTTGCAGCCCTTCTTCTGTTTTAGTTTCCTCTAACTGCACCGC[C>T]TCTTCTTGCAGCCCTTCTCCTTCTGTTCCTTCTTTAGTTTCCTCTAATTGCACCTCTTCT-3'
Protein context (NP_849188.4, residues 1308-1328): EGTEGEGLQE[Glu1318=]AVQLEETKTE